The following is an entry in ClinVar:

NM_012469.4(PRPF6):c.891C>T (p.Leu297=)

Gene: PRPF6 (pre-mRNA processing factor 6; plus strand). Cytogenetic location: 20q13.33.
Variant type: single nucleotide variant.
Coding change: c.891C>T on transcript NM_012469.4 (MANE Select); coding-DNA position 891, C replaced by T.
Protein change: p.Leu297=; no amino-acid change (leucine 297 retained).
Molecular consequence: synonymous variant.
Genome position (GRCh38, 1-based): chr20:63,999,627, C>T. VCF-style: chr20-63999627-C-T. GRCh37 (hg19) VCF-style: chr20-62630980-C-T.
Identifiers: ClinVar variation 198852 (VCV000198852.42), dbSNP rs41278234, ClinGen allele CA247700.
Genomic context (GRCh38, chr20:63,999,627, plus strand): 5'-CATGGCCTGATGCCGTGTGCACTCTCCCTCTCATAGTGATATCAAGAAGGCGCGACTGCT[C>T]CTCAAGTCTGTTCGGGAGACGAACCCTCATCACCCGCCAGCCTGGATTGCATCAGCCCGC-3'
Protein context (NP_036601.2, residues 287-307): DINDIKKARL[Leu297=]LKSVRETNPH

ClinVar aggregate classification (germline): Conflicting classifications of pathogenicity. Review status: criteria provided, conflicting classifications (1 of 4 stars). 5 submissions from 5 submitters: Uncertain significance (1); Likely benign (4). Last evaluated 2026-01-28.

Conditions:
Retinitis pigmentosa (RP). Identifiers: Orphanet 791, MedGen C0035334, MeSH D012174, MONDO:0019200, OMIM 268000. Inheritance: Autosomal dominant, autosomal recessive and X linked inheritance.

Allele frequency attached by ClinVar (database versions not stated): 1000 Genomes Project 30x 0.00031; 1000 Genomes Project 0.00040; gnomAD 0.00091 and 0.00092; TOPMed 0.00097; ESP Exome Variant Server 0.00123.
gnomAD v4.1: 2,195 of 1,614,196 alleles (0.14%); highest among the groups gnomAD compares: Non-Finnish European, 0.17%; 7 homozygotes.

Submissions (5):

Labcorp Genetics (formerly Invitae), Labcorp
Classification: Likely benign. Last evaluated: 2026-01-28. Review status: criteria provided, single submitter. Criteria: Invitae Variant Classification Sherloc (09022015). Collection method: clinical testing. Allele origin: germline.

Blueprint Genetics
Classification: Likely benign. Last evaluated: 2024-11-28. Review status: criteria provided, single submitter. Criteria: ACMG Guidelines, 2015. Collection method: clinical testing. Allele origin: germline.

CeGaT Center for Human Genetics Tuebingen
Classification: Likely benign. Last evaluated: 2024-01-01. Review status: criteria provided, single submitter. Criteria: CeGaT Center For Human Genetics Tuebingen Variant Classification Criteria Version 2. Collection method: clinical testing. Allele origin: germline. Affected: yes. Observed: 1 variant allele.
Comment: PRPF6: BP4, BP7

Illumina Laboratory Services, Illumina
Classification: Likely benign for Retinitis pigmentosa. Last evaluated: 2018-01-12. Review status: criteria provided, single submitter. Criteria: ICSL Variant Classification Criteria 13 December 2019. Collection method: clinical testing. Allele origin: germline.
Comment: This variant was observed in the ICSL laboratory as part of a predisposition screen in an ostensibly healthy population. It had not been previously curated by ICSL or reported in the Human Gene Mutation Database (HGMD: prior to June 1st, 2018), and was therefore a candidate for classification through an automated scoring system. Utilizing variant allele frequency, disease prevalence and penetrance estimates, and inheritance mode, an automated score was calculated to assess if this variant is too frequent to cause the disease. Based on the score and internal cut-off values, a variant classified as likely benign is not then subjected to further curation. The score for this variant resulted in a classification of likely benign for this disease.

Eurofins Ntd Llc (ga)
Classification: Uncertain significance. Last evaluated: 2016-02-17. Review status: criteria provided, single submitter. Criteria: EGL Classification Definitions 2015. Collection method: clinical testing. Allele origin: germline. Observed: 2 variant alleles, 2 heterozygotes.